The following is an entry in ClinVar:

NM_052947.4(ALPK2):c.4161CTT[1] (p.Phe1389del)

Genes: ALPK2 (alpha kinase 2; minus strand), LOC126862764 (BRD4-independent group 4 enhancer GRCh37_chr18:56202574-56203773; plus strand). Cytogenetic location: 18q21.31.
Variant type: Microsatellite.
Coding change: c.4161CTT[1] on transcript NM_052947.4 (MANE Select); one copy of the 3-base unit CTT starting at c.4161; the reference has two copies in a row; one copy, 3 bases deleted.
Protein change: p.Phe1389del; deletes phenylalanine 1389.
Genome position (GRCh38, 1-based): chr18:58,536,021-58,536,023, AAG deleted on the plus strand (CTT on the coding strand, the reverse complement: ALPK2 is on the minus strand); deleting any 3 consecutive bases within chr18:58,536,021-58,536,026 gives the same sequence; the position shown is the placement nearest the transcript's 3' end. VCF-style (leftmost placement, unchanged base first): chr18-58536020-AAAG-A. GRCh37 (hg19) VCF-style: chr18-56203252-AAAG-A.
Other names: short protein forms F1389del.
Identifiers: ClinVar variation 3060951 (VCV003060951.2), dbSNP rs141586980, ClinGen allele CA8976760.

ClinVar aggregate classification (germline): Benign (0 of 4 stars; one submission).

Conditions:
ALPK2-related disorder. Also called: ALPK2-related condition.

Submission:

PreventionGenetics, part of Exact Sciences
Classification: Benign for ALPK2-related condition. Last evaluated: 2019-02-21. Review status: no assertion criteria provided. Collection method: clinical testing. Allele origin: germline.
Comment: This variant is classified as benign based on ACMG/AMP sequence variant interpretation guidelines (Richards et al. 2015 PMID: 25741868, with internal and published modifications).